The following is an entry in ClinVar:

NM_194277.3(FRMD7):c.963G>T (p.Leu321Phe)

Gene: FRMD7 (FERM domain containing 7; minus strand). Cytogenetic location: Xq26.2.
Variant type: single nucleotide variant.
Coding change: c.963G>T on transcript NM_194277.3 (MANE Select); coding-DNA position 963, G replaced by T.
Protein change: p.Leu321Phe; replaces leucine 321 with phenylalanine.
Molecular consequence: missense variant.
Genome position (GRCh38, 1-based): chrX:132,080,209, C>A on the plus strand (G>T on the coding strand, the complement: FRMD7 is on the minus strand). VCF-style: chrX-132080209-C-A. GRCh37 (hg19) VCF-style: chrX-131214237-C-A.
Other names: c.918G>T, p.Leu306Phe (NM_001306193.2); short protein forms L306F, L321F.
Identifiers: ClinVar variation 1500497 (VCV001500497.6), dbSNP rs780567113, ClinGen allele CA10518940.

ClinVar aggregate classification (germline): Uncertain significance (1 of 4 stars; one submission).

Allele frequency attached by ClinVar (database versions not stated): ExAC 0.00001; gnomAD exomes 0.00001; gnomAD 0.00002; TOPMed 0.00003.
gnomAD v4.1: 2 of 1,202,290 alleles (0.00017%); highest among the groups gnomAD compares: African/African-American, 0.0035%; no homozygotes.

Submission:

Labcorp Genetics (formerly Invitae), Labcorp
Classification: Uncertain significance. Last evaluated: 2022-07-12. Review status: criteria provided, single submitter. Criteria: Invitae Variant Classification Sherloc (09022015). Collection method: clinical testing. Allele origin: germline.
Comment: In summary, the available evidence is currently insufficient to determine the role of this variant in disease. Therefore, it has been classified as a Variant of Uncertain Significance. Algorithms developed to predict the effect of missense changes on protein structure and function are either unavailable or do not agree on the potential impact of this missense change (SIFT: "Tolerated"; PolyPhen-2: "Probably Damaging"; Align-GVGD: "Class C0"). ClinVar contains an entry for this variant (Variation ID: 1500497). This variant has not been reported in the literature in individuals affected with FRMD7-related conditions. This variant is present in population databases (rs780567113, gnomAD 0.008%), including at least one homozygous and/or hemizygous individual. This sequence change replaces leucine, which is neutral and non-polar, with phenylalanine, which is neutral and non-polar, at codon 321 of the FRMD7 protein (p.Leu321Phe).